The following is an entry in ClinVar:

NM_000143.4(FH):c.1321A>G (p.Asn441Asp)

Gene: FH (fumarate hydratase; minus strand). Cytogenetic location: 1q43.
Variant type: single nucleotide variant.
Coding change: c.1321A>G on transcript NM_000143.4 (MANE Select); coding-DNA position 1321, A replaced by G.
Protein change: p.Asn441Asp; replaces asparagine 441 with aspartic acid.
Molecular consequence: missense variant.
Genome position (GRCh38, 1-based): chr1:241,500,506, T>C on the plus strand (A>G on the coding strand, the complement: FH is on the minus strand). VCF-style: chr1-241500506-T-C. GRCh37 (hg19) VCF-style: chr1-241663806-T-C.
Other names: short protein forms N441D.
Identifiers: ClinVar variation 3278709 (VCV003278709.1).

ClinVar aggregate classification (germline): Uncertain significance (1 of 4 stars; one submission).

Conditions:
Hereditary cancer-predisposing syndrome. Also called: Tumor predisposition; Hereditary Cancer Syndrome; Hereditary neoplastic syndrome; Neoplastic Syndromes, Hereditary. Identifiers: Orphanet 140162, MedGen C0027672, MeSH D009386, MONDO:0015356.

Submission:

Ambry Genetics
Classification: Uncertain significance for Hereditary cancer-predisposing syndrome. Last evaluated: 2024-04-24. Review status: criteria provided, single submitter. Criteria: Ambry Variant Classification Scheme 2023. Collection method: clinical testing. Allele origin: germline.
Comment: The p.N441D variant (also known as c.1321A>G), located in coding exon 9 of the FH gene, results from an A to G substitution at nucleotide position 1321. The asparagine at codon 441 is replaced by aspartic acid, an amino acid with highly similar properties. This amino acid position is conserved. In addition, the in silico prediction for this alteration is inconclusive. Based on the available evidence, the clinical significance of this variant remains unclear.